The following is an entry in ClinVar:

ClinVar aggregate classification (germline): Uncertain significance. Review status: criteria provided, single submitter (1 of 4 stars). 2 submissions from 2 submitters: Uncertain significance (1). 1 of the submissions does not count toward it. Last evaluated 2021-08-17.

Conditions:
CFAP43-related disorder. Also called: CFAP43-related condition.

Allele frequency attached by ClinVar (database versions not stated): ExAC 0.00003; gnomAD exomes 0.00005; 1000 Genomes Project 30x 0.00016; 1000 Genomes Project 0.00020; TOPMed 0.00036; gnomAD 0.00044.
gnomAD v4.1: 144 of 1,613,814 alleles (0.0089%); highest among the groups gnomAD compares: Admixed American, 0.22%; no homozygotes.

Submissions (2):

Ambry Genetics
Classification: Uncertain significance. Last evaluated: 2021-08-17. Review status: criteria provided, single submitter. Criteria: Ambry Variant Classification Scheme 2023. Collection method: clinical testing. Allele origin: germline.

PreventionGenetics, part of Exact Sciences
Classification: Uncertain significance for CFAP43-related condition. Last evaluated: 2024-03-31. Review status: no assertion criteria provided. Collection method: clinical testing. Allele origin: germline. Not counted in ClinVar's aggregate classification.
Comment: The CFAP43 c.4748A>G variant is predicted to result in the amino acid substitution p.Asp1583Gly. To our knowledge, this variant has not been reported in the literature. This variant is reported in 0.13% of alleles in individuals of Latino descent in gnomAD. Although we suspect that this variant may be benign, at this time, the clinical significance of this variant is uncertain due to the absence of conclusive functional and genetic evidence.

NM_025145.7(CFAP43):c.4748A>G (p.Asp1583Gly)

Gene: CFAP43 (cilia and flagella associated protein 43; minus strand). Cytogenetic location: 10q25.1.
Variant type: single nucleotide variant.
Coding change: c.4748A>G on transcript NM_025145.7 (MANE Select); coding-DNA position 4748, A replaced by G.
Protein change: p.Asp1583Gly; replaces aspartic acid 1583 with glycine.
Molecular consequence: missense variant.
Genome position (GRCh38, 1-based): chr10:104,131,414, T>C on the plus strand (A>G on the coding strand, the complement: CFAP43 is on the minus strand). VCF-style: chr10-104131414-T-C. GRCh37 (hg19) VCF-style: chr10-105891172-T-C.
Other names: c.4748A>G (NM_025145.6); short protein forms D1583G.
Identifiers: ClinVar variation 2350814 (VCV002350814.3), dbSNP rs540293099, ClinGen allele CA5679919.